The following is an entry in ClinVar:

ClinVar aggregate classification (germline): Uncertain significance. Review status: criteria provided, multiple submitters, no conflicts (2 of 4 stars). 2 submissions from 2 submitters: Uncertain significance (2). Last evaluated 2025-02-07.

Allele frequency attached by ClinVar (database versions not stated): gnomAD 0.00001; TOPMed 0.00003.

Submissions (2):

Ambry Genetics
Classification: Uncertain significance. Last evaluated: 2025-02-07. Review status: criteria provided, single submitter. Criteria: Ambry Variant Classification Scheme 2023. Collection method: clinical testing. Allele origin: germline.

Labcorp Genetics (formerly Invitae), Labcorp
Classification: Uncertain significance. Last evaluated: 2022-05-20. Review status: criteria provided, single submitter. Criteria: Invitae Variant Classification Sherloc (09022015). Collection method: clinical testing. Allele origin: germline.
Comment: This sequence change replaces alanine, which is neutral and non-polar, with glycine, which is neutral and non-polar, at codon 20 of the ATOH7 protein (p.Ala20Gly). This variant is present in population databases (no rsID available, gnomAD 0.2%). This variant has not been reported in the literature in individuals affected with ATOH7-related conditions. Algorithms developed to predict the effect of missense changes on protein structure and function (SIFT, PolyPhen-2, Align-GVGD) all suggest that this variant is likely to be tolerated. In summary, the available evidence is currently insufficient to determine the role of this variant in disease. Therefore, it has been classified as a Variant of Uncertain Significance.

NM_145178.4(ATOH7):c.59C>G (p.Ala20Gly)

Genes: ATOH7 (atonal bHLH transcription factor 7; minus strand), LOC130003943 (ATAC-STARR-seq lymphoblastoid silent region 2418; plus strand). Cytogenetic location: 10q21.3.
Variant type: single nucleotide variant.
Coding change: c.59C>G on transcript NM_145178.4 (MANE Select); coding-DNA position 59, C replaced by G.
Protein change: p.Ala20Gly; replaces alanine 20 with glycine.
Molecular consequence: missense variant.
Genome position (GRCh38, 1-based): chr10:68,231,619, G>C on the plus strand (C>G on the coding strand, the complement: ATOH7 is on the minus strand). VCF-style: chr10-68231619-G-C. GRCh37 (hg19) VCF-style: chr10-69991376-G-C.
Other names: c.59C>G (NM_145178.2); short protein forms A20G.
Identifiers: ClinVar variation 2085019 (VCV002085019.2), dbSNP rs1251474777, ClinGen allele CA376837712.
Genomic context (GRCh38, chr10:68,231,619, plus strand): 5'-CGCGCCGCGCTCTCCAGCCGCCCGGCCCCGGCGCACGTGCCCGCGCACTCGGTGCCGCCC[G>C]CGCACGGGGGTGCAACGCGCGCTCCCGCCGGCGGGCCGCTGGGCTTGCAGGACTTCATCC-3'
Protein context (NP_660161.1, residues 10-30): PAGARVAPPC[Ala20Gly]GGTECAGTCA